The following is an entry in ClinVar:

ClinVar aggregate classification (germline): Uncertain significance (1 of 4 stars; one submission).

Conditions:
Rubinstein-Taybi syndrome due to EP300 haploinsufficiency. Also called: EP300-Related Rubinstein-Taybi Syndrome; RUBINSTEIN-TAYBI SYNDROME 2. Identifiers: Orphanet 353284, Orphanet 783, MedGen C3150941, MONDO:0013364, OMIM 613684.

gnomAD v4.1: 1 of 1,602,616 alleles (0.000062%); highest among the groups gnomAD compares: South Asian, 0.0011%; no homozygotes.

Submission:

Labcorp Genetics (formerly Invitae), Labcorp
Classification: Uncertain significance for Rubinstein-Taybi syndrome due to EP300 haploinsufficiency. Last evaluated: 2025-06-27. Review status: criteria provided, single submitter. Criteria: Invitae Variant Classification Sherloc (09022015). Collection method: clinical testing. Allele origin: germline.
Comment: This sequence change replaces leucine, which is neutral and non-polar, with isoleucine, which is neutral and non-polar, at codon 1422 of the EP300 protein (p.Leu1422Ile). This variant is present in population databases (rs780779983, gnomAD 0.003%). This variant has not been reported in the literature in individuals affected with EP300-related conditions. Invitae Evidence Modeling of protein sequence and biophysical properties (such as structural, functional, and spatial information, amino acid conservation, physicochemical variation, residue mobility, and thermodynamic stability) indicates that this missense variant is expected to disrupt EP300 protein function with a positive predictive value of 80%. In summary, the available evidence is currently insufficient to determine the role of this variant in disease. Therefore, it has been classified as a Variant of Uncertain Significance.

NM_001429.4(EP300):c.4264T>A (p.Leu1422Ile)

Gene: EP300 (EP300 lysine acetyltransferase; plus strand). Cytogenetic location: 22q13.2.
Variant type: single nucleotide variant.
Coding change: c.4264T>A on transcript NM_001429.4 (MANE Select); coding-DNA position 4264, T replaced by A.
Protein change: p.Leu1422Ile; replaces leucine 1422 with isoleucine.
Molecular consequence: missense variant.
Genome position (GRCh38, 1-based): chr22:41,169,594, T>A. VCF-style: chr22-41169594-T-A. GRCh37 (hg19) VCF-style: chr22-41565598-T-A.
Other names: c.4186T>A, p.Leu1396Ile (NM_001362843.2); short protein forms L1422I, L1396I.
Identifiers: ClinVar variation 4754827 (VCV004754827.1).